The following is an entry in ClinVar:

NM_012330.4(KAT6B):c.4120GGA[2] (p.Gly1376del)

Gene: KAT6B (lysine acetyltransferase 6B; plus strand). Cytogenetic location: 10q22.2.
Variant type: Microsatellite.
Coding change: c.4120GGA[2] on transcript NM_012330.4 (MANE Select); two copies in a row of the 3-base unit GGA starting at c.4120; the reference has three copies in a row; one copy, 3 bases deleted.
Protein change: p.Gly1376del; deletes glycine 1376.
Molecular consequence: inframe deletion.
Genome position (GRCh38, 1-based): chr10:75,028,950-75,028,952, GGA deleted; deleting any 3 consecutive bases within chr10:75,028,943-75,028,952 gives the same sequence; the position shown is the placement nearest the transcript's 3' end. VCF-style (leftmost placement, unchanged base first): chr10-75028942-AAGG-A. GRCh37 (hg19) VCF-style: chr10-76788700-AAGG-A.
Other names: c.3571GGA[2], p.Gly1193del (NM_001256468.2, NM_001370138.1); c.3244GGA[2], p.Gly1084del (NM_001256469.2, NM_001370142.1, NM_001370139.1 and 2 more transcripts); c.3055GGA[2], p.Gly1021del (NM_001370143.1, NM_001370144.1); c.3082GGA[2], p.Gly1030del (NM_001370132.1); c.2431GGA[2], p.Gly813del (NM_001370133.1); c.2035GGA[2], p.Gly681del (NM_001370134.1); c.1777GGA[2], p.Gly595del (NM_001370135.1); c.4120GGA[2], p.Gly1376del (NM_001370136.1, NM_001370137.1); short protein forms G813del, G1084del, G1193del, G681del, G1021del, G1030del, G1376del, G595del.
Identifiers: ClinVar variation 2999525 (VCV002999525.3), dbSNP rs1345473557, ClinGen allele CA2574596273.

ClinVar aggregate classification (germline): Uncertain significance (1 of 4 stars; one submission).

Conditions:
Genitopatellar syndrome (GTPTS). Also called: ABSENT PATELLAE, SCROTAL HYPOPLASIA, RENAL ANOMALIES, FACIAL DYSMORPHISM, AND MENTAL RETARDATION; Genitopatellar syndrome (GPS). Identifiers: Orphanet 85201, MedGen C1853566, MONDO:0011640, OMIM 606170.

Submission:

Labcorp Genetics (formerly Invitae), Labcorp
Classification: Uncertain significance for Genitopatellar syndrome. Last evaluated: 2023-03-27. Review status: criteria provided, single submitter. Criteria: Invitae Variant Classification Sherloc (09022015). Collection method: clinical testing. Allele origin: germline.
Comment: In summary, the available evidence is currently insufficient to determine the role of this variant in disease. Therefore, it has been classified as a Variant of Uncertain Significance. Experimental studies and prediction algorithms are not available or were not evaluated, and the functional significance of this variant is currently unknown. This variant has not been reported in the literature in individuals affected with KAT6B-related conditions. This variant is not present in population databases (gnomAD no frequency). This variant, c.4126_4128del, results in the deletion of 1 amino acid(s) of the KAT6B protein (p.Gly1376del), but otherwise preserves the integrity of the reading frame.